The following is an entry in ClinVar:

NM_001257180.2(SLC20A2):c.943_944del (p.Leu315fs)

Gene: SLC20A2 (solute carrier family 20 member 2; minus strand). Cytogenetic location: 8p11.21.
Variant type: Deletion.
Coding change: c.943_944del on transcript NM_001257180.2 (MANE Select); coding-DNA positions 943 to 944, 2 bases deleted (CT; older notation c.943_944delCT).
Protein change: p.Leu315fs; shifts the reading frame from leucine 315.
Molecular consequence: frameshift variant.
Genome position (GRCh38, 1-based): chr8:42,437,568-42,437,569, AG deleted on the plus strand (CT on the coding strand, the reverse complement: SLC20A2 is on the minus strand). VCF-style (leftmost placement, unchanged base first): chr8-42437567-CAG-C. GRCh37 (hg19) VCF-style: chr8-42295085-CAG-C.
Other names: c.943_944del, p.Leu315fs (NM_001257181.2, NM_006749.5); short protein forms L315fs.
Identifiers: ClinVar variation 2118110 (VCV002118110.4), dbSNP rs2487191388, ClinGen allele CA2580078316.

ClinVar aggregate classification (germline): Pathogenic (1 of 4 stars; one submission).

Submission:

Labcorp Genetics (formerly Invitae), Labcorp
Classification: Pathogenic. Last evaluated: 2022-03-27. Review status: criteria provided, single submitter. Criteria: Invitae Variant Classification Sherloc (09022015). Collection method: clinical testing. Allele origin: germline.
Comment: This sequence change creates a premature translational stop signal (p.Leu315Valfs*99) in the SLC20A2 gene. It is expected to result in an absent or disrupted protein product. Loss-of-function variants in SLC20A2 are known to be pathogenic (PMID: 23334463). This variant is not present in population databases (gnomAD no frequency). This variant has not been reported in the literature in individuals affected with SLC20A2-related conditions. For these reasons, this variant has been classified as Pathogenic.

Literature cited by the submitters: PubMed 23334463.